The following is an entry in ClinVar:

ClinVar aggregate classification (germline): Uncertain significance (1 of 4 stars; one submission).

gnomAD v4.1: 1 of 1,614,144 alleles (0.000062%); highest among the groups gnomAD compares: South Asian, 0.0011%; no homozygotes.

Submission:

Labcorp Genetics (formerly Invitae), Labcorp
Classification: Uncertain significance. Last evaluated: 2025-02-09. Review status: criteria provided, single submitter. Criteria: Invitae Variant Classification Sherloc (09022015). Collection method: clinical testing. Allele origin: germline.
Comment: This sequence change replaces asparagine, which is neutral and polar, with serine, which is neutral and polar, at codon 1049 of the LRP5 protein (p.Asn1049Ser). This variant is present in population databases (rs776097279, gnomAD 0.003%). This variant has not been reported in the literature in individuals affected with LRP5-related conditions. Invitae Evidence Modeling of protein sequence and biophysical properties (such as structural, functional, and spatial information, amino acid conservation, physicochemical variation, residue mobility, and thermodynamic stability) indicates that this missense variant is not expected to disrupt LRP5 protein function with a negative predictive value of 95%. In summary, the available evidence is currently insufficient to determine the role of this variant in disease. Therefore, it has been classified as a Variant of Uncertain Significance.

NM_002335.4(LRP5):c.3146A>G (p.Asn1049Ser)

Gene: LRP5 (LDL receptor related protein 5; plus strand). Cytogenetic location: 11q13.2.
Variant type: single nucleotide variant.
Coding change: c.3146A>G on transcript NM_002335.4 (MANE Select); coding-DNA position 3146, A replaced by G.
Protein change: p.Asn1049Ser; replaces asparagine 1049 with serine.
Molecular consequence: missense variant.
Genome position (GRCh38, 1-based): chr11:68,423,607, A>G. VCF-style: chr11-68423607-A-G. GRCh37 (hg19) VCF-style: chr11-68191075-A-G.
Other names: c.1403A>G, p.Asn468Ser (NM_001291902.2); short protein forms N1049S, N468S.
Identifiers: ClinVar variation 4800461 (VCV004800461.1).
Genomic context (GRCh38, chr11:68,423,607, plus strand): 5'-TCAGCATCGACATCTACAGCCGGACACTGTTCTGGACGTGCGAGGCCACCAATACCATCA[A>G]CGTCCACAGGCTGAGCGGGGAAGCCATGGGGGTGGTGCTGCGTGGGGACCGCGACAAGCC-3'
Protein context (NP_002326.2, residues 1039-1059): FWTCEATNTI[Asn1049Ser]VHRLSGEAMG